The following is an entry in ClinVar:

ClinVar aggregate classification (germline): Uncertain significance (1 of 4 stars; one submission).

gnomAD v4.1: 5 of 1,607,436 alleles (0.00031%); highest among the groups gnomAD compares: Admixed American, 0.0017%; no homozygotes.

Submission:

GeneDx
Classification: Uncertain significance. Last evaluated: 2026-04-01. Review status: criteria provided, single submitter. Criteria: GeneDx Variant Classification Process June 2021. Collection method: clinical testing. Allele origin: germline.
Comment: Not observed at significant frequency in large population cohorts (gnomAD); Has not been previously published as pathogenic or benign to our knowledge; Variants in candidate genes are classified as variants of uncertain significance in accordance with ACMG guidelines (PMID: 25741868); In silico analysis suggests this variant may impact gene splicing. In the absence of RNA/functional studies, the actual effect of this sequence change is unknown.

NM_004839.4(HOMER2):c.495-3C>T

Gene: HOMER2 (homer scaffold protein 2; minus strand). Cytogenetic location: 15q25.2.
Variant type: single nucleotide variant.
Coding change: c.495-3C>T on transcript NM_004839.4 (MANE Select); 3 bases into the intron before coding-DNA position 495, C replaced by T.
Molecular consequence: intron variant.
Genome position (GRCh38, 1-based): chr15:82,854,803, G>A on the plus strand (C>T on the coding strand, the complement: HOMER2 is on the minus strand). VCF-style: chr15-82854803-G-A. GRCh37 (hg19) VCF-style: chr15-83523555-G-A.
Other names: c.528-3C>T (NM_199330.3).
Identifiers: ClinVar variation 5017289 (VCV005017289.1).